The following is an entry in ClinVar:

ClinVar aggregate classification (germline): Uncertain significance. Review status: criteria provided, multiple submitters, no conflicts (2 of 4 stars). 2 submissions from 2 submitters: Uncertain significance (2). Last evaluated 2026-07-06.

Conditions:
Haddad syndrome (OHD). Also called: Ondine-Hirschsprung disease. Identifiers: Orphanet 99803, MedGen C1859049, MONDO:0020493.
Hereditary cancer-predisposing syndrome. Also called: Hereditary Cancer Syndrome; Hereditary neoplastic syndrome; Neoplastic Syndromes, Hereditary; Tumor predisposition. Identifiers: Orphanet 140162, MedGen C0027672, MeSH D009386, MONDO:0015356.

Submissions (2):

Ambry Genetics
Classification: Uncertain significance for Hereditary cancer-predisposing syndrome. Last evaluated: 2026-07-06. Review status: criteria provided, single submitter. Criteria: Ambry Variant Classification Scheme 2023. Collection method: clinical testing. Allele origin: germline.
Comment: The p.S207G variant (also known as c.619A>G), located in coding exon 3 of the PHOX2B gene, results from an A to G substitution at nucleotide position 619. The serine at codon 207 is replaced by glycine, an amino acid with similar properties. This amino acid position is conserved. In addition, this alteration is predicted to be tolerated by in silico analysis. Based on the available evidence, the clinical significance of this variant remains unclear.

Labcorp Genetics (formerly Invitae), Labcorp
Classification: Uncertain significance for Haddad syndrome. Last evaluated: 2023-10-24. Review status: criteria provided, single submitter. Criteria: Invitae Variant Classification Sherloc (09022015). Collection method: clinical testing. Allele origin: germline.
Comment: This sequence change replaces serine, which is neutral and polar, with glycine, which is neutral and non-polar, at codon 207 of the PHOX2B protein (p.Ser207Gly). This variant is not present in population databases (gnomAD no frequency). This variant has not been reported in the literature in individuals affected with PHOX2B-related conditions. Advanced modeling of protein sequence and biophysical properties (such as structural, functional, and spatial information, amino acid conservation, physicochemical variation, residue mobility, and thermodynamic stability) performed at Invitae indicates that this missense variant is not expected to disrupt PHOX2B protein function with a negative predictive value of 80%. In summary, the available evidence is currently insufficient to determine the role of this variant in disease. Therefore, it has been classified as a Variant of Uncertain Significance.

NM_003924.4(PHOX2B):c.619A>G (p.Ser207Gly)

Gene: PHOX2B (paired like homeobox 2B; minus strand). Cytogenetic location: 4p13.
Variant type: single nucleotide variant.
Coding change: c.619A>G on transcript NM_003924.4 (MANE Select); coding-DNA position 619, A replaced by G.
Protein change: p.Ser207Gly; replaces serine 207 with glycine.
Molecular consequence: missense variant.
Genome position (GRCh38, 1-based): chr4:41,746,133, T>C on the plus strand (A>G on the coding strand, the complement: PHOX2B is on the minus strand). VCF-style: chr4-41746133-T-C. GRCh37 (hg19) VCF-style: chr4-41748150-T-C.
Other names: short protein forms S207G.
Identifiers: ClinVar variation 2771497 (VCV002771497.4), dbSNP rs1577559223, ClinGen allele CA356737685.